The following is an entry in ClinVar:

NM_130384.3(ATRIP):c.174C>A (p.Asp58Glu)

Genes: ATRIP (ATR interacting protein; plus strand), ATRIP-TREX1 (ATRIP-TREX1 readthrough; plus strand), LOC129936703 (ATAC-STARR-seq lymphoblastoid silent region 14331; plus strand). Cytogenetic location: 3p21.31.
Variant type: single nucleotide variant.
Coding change: c.174C>A on transcript NM_130384.3 (MANE Select); coding-DNA position 174, C replaced by A.
Protein change: p.Asp58Glu; replaces aspartic acid 58 with glutamic acid.
Molecular consequence: missense variant. On other transcripts: non-coding transcript variant (1), intron variant (1).
Genome position (GRCh38, 1-based): chr3:48,447,019, C>A. VCF-style: chr3-48447019-C-A. GRCh37 (hg19) VCF-style: chr3-48488423-C-A.
Other names: c.174C>A (NM_130384.1); c.174C>A, p.Asp58Glu (NM_032166.4); c.-218+220C>A (NM_001271022.2); short protein forms D58E.
Identifiers: ClinVar variation 2994124 (VCV002994124.4), dbSNP rs752960407, ClinGen allele CA2375894.

ClinVar aggregate classification (germline): Uncertain significance. Review status: criteria provided, multiple submitters, no conflicts (2 of 4 stars). 2 submissions from 2 submitters: Uncertain significance (2). Last evaluated 2025-04-07.

Allele frequency attached by ClinVar (database versions not stated): gnomAD 0.00004; ExAC 0.00001; gnomAD exomes below 0.00001; TOPMed 0.00009.
gnomAD v4.1: 12 of 1,580,902 alleles (0.00076%); highest among the groups gnomAD compares: African/African-American, 0.014%; no homozygotes.

Submissions (2):

Ambry Genetics
Classification: Uncertain significance. Last evaluated: 2025-04-07. Review status: criteria provided, single submitter. Criteria: Ambry Variant Classification Scheme 2023. Collection method: clinical testing. Allele origin: germline.
Comment: The p.D58E variant (also known as c.174C>A), located in coding exon 1 of the ATRIP gene, results from a C to A substitution at nucleotide position 174. The aspartic acid at codon 58 is replaced by glutamic acid, an amino acid with highly similar properties. This amino acid position is well conserved in available vertebrate species. In addition, this alteration is predicted to be tolerated by in silico analysis. The evidence for this gene-disease relationship is limited; therefore, the clinical significance of this alteration is unclear.

Labcorp Genetics (formerly Invitae), Labcorp
Classification: Uncertain significance. Last evaluated: 2025-02-26. Review status: criteria provided, single submitter. Criteria: Invitae Variant Classification Sherloc (09022015). Collection method: clinical testing. Allele origin: germline.
Comment: This sequence change replaces aspartic acid, which is acidic and polar, with glutamic acid, which is acidic and polar, at codon 58 of the ATRIP protein (p.Asp58Glu). The frequency data for this variant in the population databases is considered unreliable, as metrics indicate poor data quality at this position in the gnomAD database. This variant has not been reported in the literature in individuals affected with ATRIP-related conditions. ClinVar contains an entry for this variant (Variation ID: 2994124). An algorithm developed to predict the effect of missense changes on protein structure and function (PolyPhen-2) suggests that this variant is likely to be disruptive. In summary, the available evidence is currently insufficient to determine the role of this variant in disease. Therefore, it has been classified as a Variant of Uncertain Significance.